The following is an entry in ClinVar:

ClinVar aggregate classification (germline): Uncertain significance (1 of 4 stars; one submission).

Conditions:
Menkes kinky-hair syndrome (MNK). Also called: Copper transport disease; Menkes Disease; Classic Menkes Disease. Identifiers: Orphanet 565, MedGen C0022716, MONDO:0010651, OMIM 309400.
Cutis laxa, X-linked (OHS). Also called: EDS IX; Occipital horn syndrome. Identifiers: Orphanet 198, MedGen C0268353, MONDO:0010572, OMIM 304150.
X-linked distal spinal muscular atrophy type 3. Also called: ATP7A-Related Distal Motor Neuropathy; SPINAL MUSCULAR ATROPHY, DISTAL, X-LINKED RECESSIVE; NEURONOPATHY, DISTAL HEREDITARY MOTOR, X-LINKED; NEUROPATHY, DISTAL HEREDITARY MOTOR, X-LINKED. Identifiers: Orphanet 139557, MedGen C1845359, MONDO:0010338, OMIM 300489.

Submission:

Labcorp Genetics (formerly Invitae), Labcorp
Classification: Uncertain significance for X-linked distal spinal muscular atrophy type 3; Cutis laxa, X-linked; Menkes kinky-hair syndrome. Last evaluated: 2023-10-28. Review status: criteria provided, single submitter. Criteria: Invitae Variant Classification Sherloc (09022015). Collection method: clinical testing. Allele origin: germline.
Comment: This sequence change replaces lysine, which is basic and polar, with asparagine, which is neutral and polar, at codon 55 of the ATP7A protein (p.Lys55Asn). This variant is not present in population databases (gnomAD no frequency). This variant has not been reported in the literature in individuals affected with ATP7A-related conditions. Advanced modeling of protein sequence and biophysical properties (such as structural, functional, and spatial information, amino acid conservation, physicochemical variation, residue mobility, and thermodynamic stability) performed at Invitae indicates that this missense variant is not expected to disrupt ATP7A protein function with a negative predictive value of 95%. In summary, the available evidence is currently insufficient to determine the role of this variant in disease. Therefore, it has been classified as a Variant of Uncertain Significance.

NM_000052.7(ATP7A):c.165A>C (p.Lys55Asn)

Gene: ATP7A (ATPase copper transporting alpha; plus strand). Cytogenetic location: Xq21.1.
Variant type: single nucleotide variant.
Coding change: c.165A>C on transcript NM_000052.7 (MANE Select); coding-DNA position 165, A replaced by C.
Protein change: p.Lys55Asn; replaces lysine 55 with asparagine.
Molecular consequence: missense variant.
Genome position (GRCh38, 1-based): chrX:77,988,286, A>C. VCF-style: chrX-77988286-A-C. GRCh37 (hg19) VCF-style: chrX-77243782-A-C.
Other names: c.165A>C, p.Lys55Asn (NM_001282224.2); short protein forms K55N.
Identifiers: ClinVar variation 2931929 (VCV002931929.3), dbSNP rs2522288819, ClinGen allele CA413598870.
Genomic context (GRCh38, chrX:77,988,286, plus strand): 5'-AATTTCCTTCCAAAAGGTATCACTGGAAGAAAAAAATGCAACTATTATTTATGACCCTAA[A>C]CTACAGACTCCAAAGACCCTACAGGAAGCTATTGATGACATGGGCTTTGATGCTGTTATC-3'
Protein context (NP_000043.4, residues 45-65): EKNATIIYDP[Lys55Asn]LQTPKTLQEA